The following is an entry in ClinVar:

NM_000212.3(ITGB3):c.115T>G (p.Cys39Gly)

Gene: ITGB3 (integrin subunit beta 3; plus strand). Cytogenetic location: 17q21.32.
Variant type: single nucleotide variant.
Coding change: c.115T>G on transcript NM_000212.3 (MANE Select); coding-DNA position 115, T replaced by G.
Protein change: p.Cys39Gly; replaces cysteine 39 with glycine.
Molecular consequence: missense variant.
Genome position (GRCh38, 1-based): chr17:47,274,454, T>G. VCF-style: chr17-47274454-T-G. GRCh37 (hg19) VCF-style: chr17-45351820-T-G.
Other names: short protein forms C39G.
Identifiers: ClinVar variation 953043 (VCV000953043.5), dbSNP rs1880497383, ClinGen allele CA400031666.

ClinVar aggregate classification (germline): Likely pathogenic (3 of 4 stars; one submission).

Conditions:
Glanzmann thrombasthenia. Also called: THROMBASTHENIA OF GLANZMANN AND NAEGELI; Thrombasthenia; Glanzmann's thrombasthenia; PLATELET GLYCOPROTEIN IIb-IIIa DEFICIENCY. Identifiers: Orphanet 849, MedGen C0040015, MONDO:0100326.

Submission:

ClinGen Platelet Disorders Variant Curation Expert Panel, ClinGen
Classification: Likely pathogenic for Glanzmann thrombasthenia. Last evaluated: 2026-02-05. Review status: reviewed by expert panel. Criteria: ClinGen Platelet ACMG Specifications v2-1. Collection method: curation. Allele origin: germline. Inheritance: Autosomal recessive inheritance.
Comment: The NM_000212.3(ITGB3):c.115T>G variant that results in the Cys39Gly amino acid change is reported in one homozygous individual in the literature (PMID: 16463284; PM3_supporting). Proband from PMID: 1646328 meets the criteria for PP4_Moderate; including mucocutaneous bleeding and impaired aggregation with all agonists except ristocetin. It is absent in population database gnomADv4.1 (PM2_supporting) and is predicted damaging by in-silico tools (REVEL score of 0.939; PP3). Experimental evidence shows reduced surface expression of integrin αIIbβ3 PMID: 16463284; PS3_moderate). In summary, this variant meets the criteria to be classified as Likely Pathogenic for autosomal recessive Glanzmann Thrombasthenia based on the ACMG/AMP criteria applied, as specified by the ClinGen PD VCEP: PP4_moderate, PM2_supporting, PM3_supporting, PP3, PS3_moderate. (VCEP specifications version 2).

Literature cited by the submitters: PubMed 16463284.